The following is an entry in ClinVar:

ClinVar aggregate classification (germline): Uncertain significance (1 of 4 stars; one submission).

gnomAD v4.1: 1 of 1,614,096 alleles (0.000062%); highest among the groups gnomAD compares: Non-Finnish European, 0.000085%; no homozygotes.

Submission:

GeneDx
Classification: Uncertain significance. Last evaluated: 2025-05-29. Review status: criteria provided, single submitter. Criteria: GeneDx Variant Classification Process June 2021. Collection method: clinical testing. Allele origin: germline. Affected: yes.
Comment: Not observed at significant frequency in large population cohorts (gnomAD); In silico analysis supports that this missense variant has a deleterious effect on protein structure/function; Has not been previously published as pathogenic or benign to our knowledge

NM_000393.5(COL5A2):c.1358G>A (p.Gly453Glu)

Gene: COL5A2 (collagen type V alpha 2 chain; minus strand). Cytogenetic location: 2q32.2.
Variant type: single nucleotide variant.
Coding change: c.1358G>A on transcript NM_000393.5 (MANE Select); coding-DNA position 1358, G replaced by A.
Protein change: p.Gly453Glu; replaces glycine 453 with glutamic acid.
Molecular consequence: missense variant.
Genome position (GRCh38, 1-based): chr2:189,068,058, C>T on the plus strand (G>A on the coding strand, the complement: COL5A2 is on the minus strand). VCF-style: chr2-189068058-C-T. GRCh37 (hg19) VCF-style: chr2-189932784-C-T.
Other names: short protein forms G453E.
Identifiers: ClinVar variation 4532690 (VCV004532690.1).